The following is an entry in ClinVar:

ClinVar aggregate classification (germline): Uncertain significance. Review status: criteria provided, multiple submitters, no conflicts (2 of 4 stars). 3 submissions from 3 submitters: Uncertain significance (3). Last evaluated 2025-11-03.

Conditions:
Inborn genetic diseases. Identifiers: MedGen C0950123, MeSH D030342.
Charcot-Marie-Tooth disease type 4. Also called: Charcot-Marie-Tooth disease, type IV; Charcot-Marie-Tooth, Type 4. Identifiers: Orphanet 64749, MedGen C4082197, MONDO:0018995.

Allele frequency attached by ClinVar (database versions not stated): 1000 Genomes Project 0.00020; TOPMed below 0.00001; gnomAD 0.00001; ExAC 0.00008; 1000 Genomes Project 30x 0.00016; gnomAD exomes 0.00003.
gnomAD v4.1: 14 of 1,577,626 alleles (0.00089%); highest among the groups gnomAD compares: Admixed American, 0.013%; no homozygotes.

Submissions (3):

Ambry Genetics
Classification: Uncertain significance for Inborn genetic diseases. Last evaluated: 2025-11-03. Review status: criteria provided, single submitter. Criteria: Ambry Variant Classification Scheme 2023. Collection method: clinical testing. Allele origin: germline.

Mayo Clinic Laboratories, Mayo Clinic
Classification: Uncertain significance. Last evaluated: 2024-12-26. Review status: criteria provided, single submitter. Criteria: ACMG Guidelines, 2015. Collection method: clinical testing. Allele origin: germline. Observed: 1 variant allele.
Comment: BP4

Labcorp Genetics (formerly Invitae), Labcorp
Classification: Uncertain significance for Charcot-Marie-Tooth disease type 4. Last evaluated: 2022-08-23. Review status: criteria provided, single submitter. Criteria: Invitae Variant Classification Sherloc (09022015). Collection method: clinical testing. Allele origin: germline.
Comment: This sequence change replaces arginine, which is basic and polar, with glutamine, which is neutral and polar, at codon 186 of the PRX protein (p.Arg186Gln). This variant is present in population databases (rs569213133, gnomAD 0.02%). This variant has not been reported in the literature in individuals affected with PRX-related conditions. ClinVar contains an entry for this variant (Variation ID: 855793). Algorithms developed to predict the effect of missense changes on protein structure and function (SIFT, PolyPhen-2, Align-GVGD) all suggest that this variant is likely to be tolerated. Algorithms developed to predict the effect of sequence changes on RNA splicing suggest that this variant may create or strengthen a splice site. In summary, the available evidence is currently insufficient to determine the role of this variant in disease. Therefore, it has been classified as a Variant of Uncertain Significance.

NM_181882.3(PRX):c.557G>A (p.Arg186Gln)

Gene: PRX (periaxin; minus strand). Cytogenetic location: 19q13.2.
Variant type: single nucleotide variant.
Coding change: c.557G>A on transcript NM_181882.3 (MANE Select); coding-DNA position 557, G replaced by A.
Protein change: p.Arg186Gln; replaces arginine 186 with glutamine.
Molecular consequence: missense variant. On other transcripts: 3 prime UTR variant (1).
Genome position (GRCh38, 1-based): chr19:40,397,795, C>T on the plus strand (G>A on the coding strand, the complement: PRX is on the minus strand). VCF-style: chr19-40397795-C-T. GRCh37 (hg19) VCF-style: chr19-40903702-C-T.
Other names: p.Arg186Gln; c.*762G>A (NM_020956.2); short protein forms R186Q.
Identifiers: ClinVar variation 855793 (VCV000855793.8), dbSNP rs569213133, ClinGen allele CA9444430.